The following is an entry in ClinVar:

ClinVar aggregate classification (germline): Uncertain significance (1 of 4 stars; one submission).

Submission:

Labcorp Genetics (formerly Invitae), Labcorp
Classification: Uncertain significance. Last evaluated: 2022-07-30. Review status: criteria provided, single submitter. Criteria: Invitae Variant Classification Sherloc (09022015). Collection method: clinical testing. Allele origin: germline.
Comment: A copy number gain of the genomic region encompassing the full coding sequence of the SLC25A4 gene has been identified. The boundaries of this event are unknown as they extend beyond the assayed region for this gene and therefore may encompass additional genes. As the precise location of this event is unknown, it may be in tandem or it may be located elsewhere in the genome. This variant has not been reported in the literature in individuals affected with SLC25A4-related conditions. In summary, the available evidence is currently insufficient to determine the role of this variant in disease. Therefore, it has been classified as a Variant of Uncertain Significance.

NC_000004.11:g.(?_186064502)_(186068125_?)dup

Gene: SLC25A4 (solute carrier family 25 member 4; plus strand). Cytogenetic location: 4q35.1.
Variant type: Duplication.
Identifiers: ClinVar variation 2423888 (VCV002423888.3).